The following is an entry in ClinVar:

ClinVar aggregate classification (germline): Uncertain significance. Review status: criteria provided, multiple submitters, no conflicts (2 of 4 stars). 2 submissions from 2 submitters: Uncertain significance (2). Last evaluated 2024-04-12.

Conditions:
Hereditary cancer-predisposing syndrome. Also called: Neoplastic Syndromes, Hereditary; Tumor predisposition; Hereditary Cancer Syndrome; Hereditary neoplastic syndrome. Identifiers: Orphanet 140162, MedGen C0027672, MeSH D009386, MONDO:0015356.

gnomAD v4.1: 1 of 1,614,198 alleles (0.000062%); highest among the groups gnomAD compares: Non-Finnish European, 0.000085%; no homozygotes.

Submissions (2):

Ambry Genetics
Classification: Uncertain significance for Hereditary cancer-predisposing syndrome. Last evaluated: 2024-04-12. Review status: criteria provided, single submitter. Criteria: Ambry Variant Classification Scheme 2023. Collection method: clinical testing. Allele origin: germline.
Comment: The p.Q604R variant (also known as c.1811A>G), located in coding exon 12 of the CTNNA1 gene, results from an A to G substitution at nucleotide position 1811. The glutamine at codon 604 is replaced by arginine, an amino acid with highly similar properties. This amino acid position is conserved. In addition, this alteration is predicted to be tolerated by in silico analysis. Since supporting evidence is limited at this time, the clinical significance of this alteration remains unclear.

Labcorp Genetics (formerly Invitae), Labcorp
Classification: Uncertain significance. Last evaluated: 2023-11-20. Review status: criteria provided, single submitter. Criteria: Invitae Variant Classification Sherloc (09022015). Collection method: clinical testing. Allele origin: germline.
Comment: This sequence change replaces glutamine, which is neutral and polar, with arginine, which is basic and polar, at codon 604 of the CTNNA1 protein (p.Gln604Arg). This variant is not present in population databases (gnomAD no frequency). This variant has not been reported in the literature in individuals affected with CTNNA1-related conditions. ClinVar contains an entry for this variant (Variation ID: 1780588). Advanced modeling of protein sequence and biophysical properties (such as structural, functional, and spatial information, amino acid conservation, physicochemical variation, residue mobility, and thermodynamic stability) performed at Invitae indicates that this missense variant is not expected to disrupt CTNNA1 protein function with a negative predictive value of 80%. In summary, the available evidence is currently insufficient to determine the role of this variant in disease. Therefore, it has been classified as a Variant of Uncertain Significance.

NM_001903.5(CTNNA1):c.1811A>G (p.Gln604Arg)

Gene: CTNNA1 (catenin alpha 1; plus strand). Cytogenetic location: 5q31.2.
Variant type: single nucleotide variant.
Coding change: c.1811A>G on transcript NM_001903.5 (MANE Select); coding-DNA position 1811, A replaced by G.
Protein change: p.Gln604Arg; replaces glutamine 604 with arginine.
Molecular consequence: missense variant.
Genome position (GRCh38, 1-based): chr5:138,925,319, A>G. VCF-style: chr5-138925319-A-G. GRCh37 (hg19) VCF-style: chr5-138261008-A-G.
Other names: c.1811A>G, p.Gln604Arg (NM_001290307.3, NM_001323982.2, NM_001323983.1 and 2 more transcripts); c.1502A>G, p.Gln501Arg (NM_001290309.3); c.1442A>G, p.Gln481Arg (NM_001290310.3); c.701A>G, p.Gln234Arg (NM_001290312.1, NM_001323987.1, NM_001323988.1 and 17 more transcripts); c.1718A>G, p.Gln573Arg (NM_001323986.2); c.362A>G, p.Gln121Arg (NM_001324006.1, NM_001324007.1, NM_001324008.1 and 2 more transcripts); c.608A>G, p.Gln203Arg (NM_001324011.1); c.458A>G, p.Gln153Arg (NM_001324012.1, NM_001324013.1); short protein forms Q573R, Q121R, Q203R, Q234R, Q604R, Q153R, Q481R, Q501R.
Identifiers: ClinVar variation 1780588 (VCV001780588.6), dbSNP rs765820297, ClinGen allele CA361132252.